The following is an entry in ClinVar:

ClinVar aggregate classification (germline): Uncertain significance. Review status: criteria provided, multiple submitters, no conflicts (2 of 4 stars). 4 submissions from 4 submitters: Uncertain significance (4). Last evaluated 2025-12-21.

Conditions:
DICER1-related disorder. Also called: DICER1-related condition.
DICER1-related tumor predisposition. Also called: DICER1-related pleuropulmonary blastoma cancer predisposition syndrome; DICER1 syndrome. Identifiers: Orphanet 284343, MedGen C3839822, MONDO:0100216.
Hereditary cancer-predisposing syndrome. Also called: Tumor predisposition; Hereditary Cancer Syndrome; Neoplastic Syndromes, Hereditary; Hereditary neoplastic syndrome. Identifiers: Orphanet 140162, MedGen C0027672, MeSH D009386, MONDO:0015356.

Allele frequency attached by ClinVar (database versions not stated): gnomAD exomes 0.00001 and below 0.00001; ExAC 0.00002; TOPMed 0.00002; gnomAD 0.00003; ESP Exome Variant Server 0.00008.
gnomAD v4.1: 5 of 1,614,002 alleles (0.00031%); highest among the groups gnomAD compares: African/African-American, 0.0067%; no homozygotes.

Submissions (4):

Ambry Genetics
Classification: Uncertain significance for Hereditary cancer-predisposing syndrome. Last evaluated: 2025-12-21. Review status: criteria provided, single submitter. Criteria: Ambry Variant Classification Scheme 2023. Collection method: clinical testing. Allele origin: germline.
Comment: The p.T626K variant (also known as c.1877C>A), located in coding exon 10 of the DICER1 gene, results from a C to A substitution at nucleotide position 1877. The threonine at codon 626 is replaced by lysine, an amino acid with similar properties. This amino acid position is highly conserved in available vertebrate species. In addition, this alteration is predicted to be deleterious by in silico analysis. Since supporting evidence is limited at this time, the clinical significance of this alteration remains unclear.

Labcorp Genetics (formerly Invitae), Labcorp
Classification: Uncertain significance for DICER1-related tumor predisposition. Last evaluated: 2025-09-16. Review status: criteria provided, single submitter. Criteria: Invitae Variant Classification Sherloc (09022015). Collection method: clinical testing. Allele origin: germline.
Comment: This sequence change replaces threonine, which is neutral and polar, with lysine, which is basic and polar, at codon 626 of the DICER1 protein (p.Thr626Lys). This variant is present in population databases (rs375579739, gnomAD 0.02%). This variant has not been reported in the literature in individuals affected with DICER1-related conditions. ClinVar contains an entry for this variant (Variation ID: 477071). Invitae Evidence Modeling of protein sequence and biophysical properties (such as structural, functional, and spatial information, amino acid conservation, physicochemical variation, residue mobility, and thermodynamic stability) indicates that this missense variant is not expected to disrupt DICER1 protein function with a negative predictive value of 95%. In summary, the available evidence is currently insufficient to determine the role of this variant in disease. Therefore, it has been classified as a Variant of Uncertain Significance.

PreventionGenetics, part of Exact Sciences
Classification: Uncertain significance for DICER1-related condition. Last evaluated: 2023-06-23. Review status: criteria provided, single submitter. Criteria: ACMG Guidelines, 2015. Collection method: clinical testing. Allele origin: germline.
Comment: The DICER1 c.1877C>A variant is predicted to result in the amino acid substitution p.Thr626Lys. To our knowledge, this variant has not been reported in the literature. This variant is reported in 0.018% of alleles in individuals of African descent in gnomAD and is reported as a variant of uncertain significance in ClinVar. At this time, the clinical significance of this variant is uncertain due to the absence of conclusive functional and genetic evidence.

GeneDx
Classification: Uncertain significance. Last evaluated: 2023-02-01. Review status: criteria provided, single submitter. Criteria: GeneDx Variant Classification Process June 2021. Collection method: clinical testing. Allele origin: germline. Affected: yes.
Comment: Not observed at significant frequency in large population cohorts (gnomAD); In silico analysis supports that this missense variant has a deleterious effect on protein structure/function; Has not been previously published as pathogenic or benign to our knowledge

NM_177438.3(DICER1):c.1877C>A (p.Thr626Lys)

Gene: DICER1 (dicer 1, ribonuclease III; minus strand). Cytogenetic location: 14q32.13.
Variant type: single nucleotide variant.
Coding change: c.1877C>A on transcript NM_177438.3 (MANE Select); coding-DNA position 1877, C replaced by A.
Protein change: p.Thr626Lys; replaces threonine 626 with lysine.
Molecular consequence: missense variant.
Genome position (GRCh38, 1-based): chr14:95,115,697, G>T on the plus strand (C>A on the coding strand, the complement: DICER1 is on the minus strand). VCF-style: chr14-95115697-G-T. GRCh37 (hg19) VCF-style: chr14-95582034-G-T.
Other names: c.1877C>A, p.Thr626Lys (NM_001195573.1, NM_001271282.3, NM_001291628.2 and 1 more transcripts); short protein forms T626K.
Identifiers: ClinVar variation 477071 (VCV000477071.16), dbSNP rs375579739, ClinGen allele CA7331380.